The following is an entry in ClinVar:

NM_001184880.2(PCDH19):c.2223G>A (p.Ser741=)

Gene: PCDH19 (protocadherin 19; minus strand). Cytogenetic location: Xq22.1.
Variant type: single nucleotide variant.
Coding change: c.2223G>A on transcript NM_001184880.2 (MANE Select); coding-DNA position 2223, G replaced by A.
Protein change: p.Ser741=; no amino-acid change (serine 741 retained).
Molecular consequence: synonymous variant. On other transcripts: intron variant (2).
Genome position (GRCh38, 1-based): chrX:100,403,589, C>T on the plus strand (G>A on the coding strand, the complement: PCDH19 is on the minus strand). VCF-style: chrX-100403589-C-T. GRCh37 (hg19) VCF-style: chrX-99658587-C-T.
Other names: c.2148-738G>A (NM_020766.3, NM_001105243.2).
Identifiers: ClinVar variation 391287 (VCV000391287.10), dbSNP rs907375983, ClinGen allele CA16608650.

ClinVar aggregate classification (germline): Likely benign. Review status: criteria provided, multiple submitters, no conflicts (2 of 4 stars). 2 submissions from 2 submitters: Likely benign (2). Last evaluated 2025-07-06.

Conditions:
Developmental and epileptic encephalopathy, 9 (DEE9). Also called: EPILEPSY, FEMALE-RESTRICTED, WITH MENTAL RETARDATION; Early infantile epileptic encephalopathy 9; JUBERG-HELLMAN SYNDROME; PCDH19-Related X-Linked Female-Limited Epilepsy with Mental Retardation. Identifiers: Orphanet 101039, Orphanet 2076, MedGen C1848137, MONDO:0010246, OMIM 300088. Disease mechanism: loss of function.

Allele frequency attached by ClinVar (database versions not stated): gnomAD exomes below 0.00001 and 0.00001.
gnomAD v4.1: 4 of 1,208,013 alleles (0.00033%); highest among the groups gnomAD compares: African/African-American, 0.0035%; no homozygotes.

Submissions (2):

Labcorp Genetics (formerly Invitae), Labcorp
Classification: Likely benign for Developmental and epileptic encephalopathy, 9. Last evaluated: 2025-07-06. Review status: criteria provided, single submitter. Criteria: Invitae Variant Classification Sherloc (09022015). Collection method: clinical testing. Allele origin: germline.

GeneDx
Classification: Likely benign. Last evaluated: 2016-12-07. Review status: criteria provided, single submitter. Criteria: GeneDx Variant Classification (06012015). Collection method: clinical testing. Allele origin: germline. Affected: yes.
Comment: This variant is considered likely benign or benign based on one or more of the following criteria: it is a conservative change, it occurs at a poorly conserved position in the protein, it is predicted to be benign by multiple in silico algorithms, and/or has population frequency not consistent with disease.